The following is an entry in ClinVar:

NM_001267550.2(TTN):c.67897G>T (p.Glu22633Ter)

Genes: TTN (titin; minus strand), TTN-AS1 (TTN antisense RNA 1; plus strand), LOC126806423 (CDK7 strongly-dependent group 2 enhancer GRCh37_chr2:179443309-179444508; plus strand). Cytogenetic location: 2q31.2.
Variant type: single nucleotide variant.
Coding change: c.67897G>T on transcript NM_001267550.2 (MANE Select); coding-DNA position 67897, G replaced by T.
Protein change: p.Glu22633Ter; replaces glutamic acid 22633 with a stop codon.
Molecular consequence: nonsense.
Genome position (GRCh38, 1-based): chr2:178,579,133, C>A on the plus strand (G>T on the coding strand, the complement: TTN is on the minus strand). VCF-style: chr2-178579133-C-A. GRCh37 (hg19) VCF-style: chr2-179443860-C-A.
Other names: c.62974G>T, p.Glu20992Ter (NM_001256850.1); c.40702G>T, p.Glu13568Ter (NM_003319.4); c.60193G>T, p.Glu20065Ter (NM_133378.4); c.41077G>T, p.Glu13693Ter (NM_133432.3); c.41278G>T, p.Glu13760Ter (NM_133437.4); short protein forms E22633*, E13693*, E13760*, E13568*, E20065*, E20992*.
Identifiers: ClinVar variation 535014 (VCV000535014.11), dbSNP rs1553621179, ClinGen allele CA349422569.
Genomic context (GRCh38, chr2:178,579,133, plus strand): 5'-ATTTGATTGGTCCAGTGGGGATGCCAGGCTTGCCAACAACCTTTATGGAGATAGTTCCTT[C>A]CTTGGTGCCAGCAACATTCTTAAGTGTGATTGTGTATTTTCCAGCATCAGATTTTTGGCA-3'

ClinVar aggregate classification (germline): Likely pathogenic (1 of 4 stars; one submission).

Conditions:
Autosomal recessive limb-girdle muscular dystrophy type 2J (LGMDR10). Also called: Limb-girdle muscular dystrophy, type 2J; MUSCULAR DYSTROPHY, LIMB-GIRDLE, AUTOSOMAL RECESSIVE 10. Identifiers: Orphanet 140922, MedGen C1837342, MONDO:0012127, OMIM 608807.
Dilated cardiomyopathy 1G (CMD1G). Identifiers: Orphanet 154, MedGen C1858763, MONDO:0011400, OMIM 604145.

Submission:

Labcorp Genetics (formerly Invitae), Labcorp
Classification: Likely pathogenic for Dilated cardiomyopathy 1G; Autosomal recessive limb-girdle muscular dystrophy type 2J. Last evaluated: 2019-06-22. Review status: criteria provided, single submitter. Criteria: Invitae Variant Classification Sherloc (09022015). Collection method: clinical testing. Allele origin: germline.
Comment: This variant has not been reported in the literature in individuals with TTN-related disease. In summary, the currently available evidence indicates that the variant is pathogenic, but additional data are needed to prove that conclusively. Therefore, this variant has been classified as Likely Pathogenic. This variant is found in the A-band of this gene. While this particular variant has not been reported in the literature, truncating variants in the A-band of TTN are significantly overrepresented in patients with dilated cardiomyopathy and are considered to be likely pathogenic for the disease (PMID: 25589632). This variant is not present in population databases (ExAC no frequency). This sequence change results in a premature translational stop signal in the TTN gene (p.Glu22633*). While this is not anticipated to result in nonsense mediated decay, it is expected to disrupt the last 13359 amino acids of the TTN protein.

Literature cited by the submitters: PubMed 25589632.